The following is an entry in ClinVar:

NM_001458.5(FLNC):c.8109C>G (p.Asp2703Glu)

Genes: FLNC (filamin C; plus strand), FLNC-AS1 (FLNC antisense RNA 1; minus strand). Cytogenetic location: 7q32.1.
Variant type: single nucleotide variant.
Coding change: c.8109C>G on transcript NM_001458.5 (MANE Select); coding-DNA position 8109, C replaced by G.
Protein change: p.Asp2703Glu; replaces aspartic acid 2703 with glutamic acid.
Molecular consequence: missense variant.
Genome position (GRCh38, 1-based): chr7:128,858,454, C>G. VCF-style: chr7-128858454-C-G. GRCh37 (hg19) VCF-style: chr7-128498508-C-G.
Other names: c.8010C>G, p.Asp2670Glu (NM_001127487.2); short protein forms D2703E, D2670E.
Identifiers: ClinVar variation 950475 (VCV000950475.10), dbSNP rs1809164297, ClinGen allele CA369221849.
Genomic context (GRCh38, chr7:128,858,454, plus strand): 5'-CGTGAAGCACATGGGGAACCGGGTGTACAATGTCACCTACACTGTCAAGGAGAAAGGGGA[C>G]TACATCCTCATTGTCAAGTGGGGTGACGAAAGTGTCCCTGGAAGCCCCTTCAAAGTCAAG-3'
Protein context (NP_001449.3, residues 2693-2713): NVTYTVKEKG[Asp2703Glu]YILIVKWGDE

ClinVar aggregate classification (germline): Uncertain significance (1 of 4 stars; one submission).

Conditions:
Myofibrillar myopathy 5. Also called: FILAMINOPATHY, AUTOSOMAL DOMINANT; Filaminopathy (type). Identifiers: Orphanet 171445, MedGen C1836050, MONDO:0012289, OMIM 609524.
Distal myopathy with posterior leg and anterior hand involvement. Also called: WILLIAMS DISTAL MYOPATHY. Identifiers: Orphanet 63273, MedGen C3279722, MONDO:0013550, OMIM 614065.
Hypertrophic cardiomyopathy 26. Also called: Cardiomyopathy, familial hypertrophic, 26. Identifiers: Orphanet 75249, MedGen C4310749, MONDO:0014883, OMIM 617047.

Submission:

Labcorp Genetics (formerly Invitae), Labcorp
Classification: Uncertain significance for Distal myopathy with posterior leg and anterior hand involvement; Myofibrillar myopathy 5; Hypertrophic cardiomyopathy 26. Last evaluated: 2019-09-06. Review status: criteria provided, single submitter. Criteria: Invitae Variant Classification Sherloc (09022015). Collection method: clinical testing. Allele origin: germline.
Comment: In summary, the available evidence is currently insufficient to determine the role of this variant in disease. Therefore, it has been classified as a Variant of Uncertain Significance. Algorithms developed to predict the effect of missense changes on protein structure and function (SIFT, PolyPhen-2, Align-GVGD) all suggest that this variant is likely to be tolerated, but these predictions have not been confirmed by published functional studies and their clinical significance is uncertain. This variant has not been reported in the literature in individuals with FLNC-related conditions. This variant is not present in population databases (ExAC no frequency). This sequence change replaces aspartic acid with glutamic acid at codon 2703 of the FLNC protein (p.Asp2703Glu). The aspartic acid residue is moderately conserved and there is a small physicochemical difference between aspartic acid and glutamic acid.